The following is an entry in ClinVar:

NM_000092.5(COL4A4):c.2690G>C (p.Gly897Ala)

Gene: COL4A4 (collagen type IV alpha 4 chain; minus strand). Cytogenetic location: 2q36.3.
Variant type: single nucleotide variant.
Coding change: c.2690G>C on transcript NM_000092.5 (MANE Select); coding-DNA position 2690, G replaced by C.
Protein change: p.Gly897Ala; replaces glycine 897 with alanine.
Molecular consequence: missense variant.
Genome position (GRCh38, 1-based): chr2:227,055,971, C>G on the plus strand (G>C on the coding strand, the complement: COL4A4 is on the minus strand). VCF-style: chr2-227055971-C-G. GRCh37 (hg19) VCF-style: chr2-227920687-C-G.
Other names: short protein forms G897A.
Identifiers: ClinVar variation 4817314 (VCV004817314.1).
Genomic context (GRCh38, chr2:227,055,971, plus strand): 5'-GATGGGAGGACATCATGGAAAAAGCACTACCTACCCTTTGGACCTGGAGGACCAGGTAGC[C>G]CATCATCTCCAAAGGGACCTGGGATTCCTGGGAGGCCTGGGGGACCATGTGCCCCAGGCC-3'
Protein context (NP_000083.3, residues 887-907): PGIPGPFGDD[Gly897Ala]LPGPPGPKGP

ClinVar aggregate classification (germline): Likely pathogenic (1 of 4 stars; one submission).

Conditions:
Alport syndrome. Also called: Hemorrhagic familial nephritis; Hemorrhagic hereditary nephritis; Congenital hereditary hematuria. Identifiers: Orphanet 63, MedGen C1567741, MONDO:0018965.

Submission:

Natera, Inc.
Classification: Likely pathogenic for Alport syndrome. Last evaluated: 2025-06-30. Review status: criteria provided, single submitter. Criteria: Natera Variant Classification Schema (03/2026). Collection method: clinical testing. Allele origin: germline.
Comment: The c.2690G>C variant in COL4A4 is a missense variant predicted to cause substitution of glycine to alanine at amino acid 897. This variant is rare in the general population with a frequency below the threshold expected for the associated phenotype(s). This variant is located in a functionally critical region of the protein. A different variant at the same position has been determined to be Pathogenic or Likely Pathogenic. Given the available evidence, this variant is classified as Likely Pathogenic.